The following is an entry in ClinVar:

ClinVar aggregate classification (germline): Uncertain significance (1 of 4 stars; one submission).

Submission:

GeneDx
Classification: Uncertain significance. Last evaluated: 2026-03-10. Review status: criteria provided, single submitter. Criteria: GeneDx Variant Classification Process June 2021. Collection method: clinical testing. Allele origin: germline.
Comment: Not observed at significant frequency in large population cohorts (gnomAD); In silico analysis supports that this missense variant has a deleterious effect on protein structure/function; Has not been previously published as pathogenic or benign to our knowledge

NM_021096.4(CACNA1I):c.3107A>T (p.His1036Leu)

Gene: CACNA1I (calcium voltage-gated channel subunit alpha1 I; plus strand). Cytogenetic location: 22q13.1.
Variant type: single nucleotide variant.
Coding change: c.3107A>T on transcript NM_021096.4 (MANE Select); coding-DNA position 3107, A replaced by T.
Protein change: p.His1036Leu; replaces histidine 1036 with leucine.
Molecular consequence: missense variant.
Genome position (GRCh38, 1-based): chr22:39,662,170, A>T. VCF-style: chr22-39662170-A-T. GRCh37 (hg19) VCF-style: chr22-40058175-A-T.
Other names: c.3002A>T, p.His1001Leu (NM_001003406.2); short protein forms H1036L, H1001L.
Identifiers: ClinVar variation 5008860 (VCV005008860.1).
Genomic context (GRCh38, chr22:39,662,170, plus strand): 5'-GGGTCTGCGAGGTTGCCGCGGACGAGGGGCCGCCGCGGGCCGCACCCCTGCACACCCCAC[A>T]CGCCCACCACATTCATCACGGGCCCCATCTGGCGCACCGCCACCGCCACCACCGCCGGAC-3'
Protein context (NP_066919.2, residues 1026-1046): PPRAAPLHTP[His1036Leu]AHHIHHGPHL